The following is an entry in ClinVar:

ClinVar aggregate classification (germline): Pathogenic (1 of 4 stars; one submission).

Conditions:
Hereditary antithrombin deficiency (AT3D). Also called: Antithrombin deficiency; Antithrombin III deficiency; Thrombophilia due to antithrombin III deficiency; Reduced antithrombin III activity. Identifiers: Orphanet 82, MedGen C0272375, MONDO:0013144, OMIM 613118, HP:0001976.

Submission:

Labcorp Genetics (formerly Invitae), Labcorp
Classification: Pathogenic for Hereditary antithrombin deficiency. Last evaluated: 2019-11-28. Review status: criteria provided, single submitter. Criteria: Invitae Variant Classification Sherloc (09022015). Collection method: clinical testing. Allele origin: germline.
Comment: For these reasons, this variant has been classified as Pathogenic. This variant has been reported to affect SERPINC1 protein function (PMID: 11686319). This variant has been observed in individual(s) with antithrombin III deficiency (PMID: 11686319, 28607330, Invitae). It has also been observed to segregate with disease in related individuals. This variant is also known as S82N in the literature. This variant is not present in population databases (ExAC no frequency). This sequence change replaces serine with asparagine at codon 114 of the SERPINC1 protein (p.Ser114Asn). The serine residue is highly conserved and there is a small physicochemical difference between serine and asparagine.

Literature cited by the submitters: PubMed 11686319; PubMed 28607330.

NM_000488.4(SERPINC1):c.341G>A (p.Ser114Asn)

Gene: SERPINC1 (serpin family C member 1; minus strand). Cytogenetic location: 1q25.1.
Variant type: single nucleotide variant.
Coding change: c.341G>A on transcript NM_000488.4 (MANE Select); coding-DNA position 341, G replaced by A.
Protein change: p.Ser114Asn; replaces serine 114 with asparagine.
Molecular consequence: missense variant.
Genome position (GRCh38, 1-based): chr1:173,914,620, C>T on the plus strand (G>A on the coding strand, the complement: SERPINC1 is on the minus strand). VCF-style: chr1-173914620-C-T. GRCh37 (hg19) VCF-style: chr1-173883758-C-T.
Other names: c.197G>A, p.Ser66Asn (NM_001365052.2); c.341G>A, p.Ser114Asn (NM_001386302.1, NM_001386304.1, NM_001386305.1 and 1 more transcripts); c.422G>A, p.Ser141Asn (NM_001386303.1); short protein forms S66N, S114N, S141N.
Identifiers: ClinVar variation 843350 (VCV000843350.6), dbSNP rs1657909645, ClinGen allele CA343777442.